The following is an entry in ClinVar:

ClinVar aggregate classification (germline): Uncertain significance (1 of 4 stars; one submission).

Submission:

Labcorp Genetics (formerly Invitae), Labcorp
Classification: Uncertain significance. Last evaluated: 2024-04-04. Review status: criteria provided, single submitter. Criteria: Invitae Variant Classification Sherloc (09022015). Collection method: clinical testing. Allele origin: germline.
Comment: This sequence change replaces valine, which is neutral and non-polar, with glutamic acid, which is acidic and polar, at codon 156 of the SLC16A1 protein (p.Val156Glu). This variant is not present in population databases (gnomAD no frequency). This variant has not been reported in the literature in individuals affected with SLC16A1-related conditions. Advanced modeling of protein sequence and biophysical properties (such as structural, functional, and spatial information, amino acid conservation, physicochemical variation, residue mobility, and thermodynamic stability) performed at Invitae indicates that this missense variant is expected to disrupt SLC16A1 protein function with a positive predictive value of 95%. In summary, the available evidence is currently insufficient to determine the role of this variant in disease. Therefore, it has been classified as a Variant of Uncertain Significance.

NM_003051.4(SLC16A1):c.467T>A (p.Val156Glu)

Gene: SLC16A1 (solute carrier family 16 member 1; minus strand). Cytogenetic location: 1p13.2.
Variant type: single nucleotide variant.
Coding change: c.467T>A on transcript NM_003051.4 (MANE Select); coding-DNA position 467, T replaced by A.
Protein change: p.Val156Glu; replaces valine 156 with glutamic acid.
Molecular consequence: missense variant.
Genome position (GRCh38, 1-based): chr1:112,917,939, A>T on the plus strand (T>A on the coding strand, the complement: SLC16A1 is on the minus strand). VCF-style: chr1-112917939-A-T. GRCh37 (hg19) VCF-style: chr1-113460561-A-T.
Other names: c.467T>A, p.Val156Glu (NM_001166496.2); short protein forms V156E.
Identifiers: ClinVar variation 3648814 (VCV003648814.2).